The following is an entry in ClinVar:

NC_000017.11:g.(?_10330387)_(10395441_?)del

Genes: MYH13 (myosin heavy chain 13; minus strand), MYH8 (myosin heavy chain 8; minus strand), MYHAS (myosin heavy chain gene cluster antisense RNA; plus strand), LOC126862493 (BRD4-independent group 4 enhancer GRCh37_chr17:10295275-10296474; plus strand). Cytogenetic location: 17p13.1.
Variant type: Deletion.
Identifiers: ClinVar variation 660152 (VCV000660152.2).

ClinVar aggregate classification (germline): Uncertain significance (1 of 4 stars; one submission).

Submission:

Labcorp Genetics (formerly Invitae), Labcorp
Classification: Uncertain significance. Last evaluated: 2018-11-19. Review status: criteria provided, single submitter. Criteria: Invitae Variant Classification Sherloc (09022015). Collection method: clinical testing. Allele origin: germline.
Comment: This variant is a gross deletion of the genomic region encompassing exons 34-40 of the MYH8 gene. The 5' boundary is likely confined to intron 33. The 3' end of this event is unknown as it extends through the termination codon beyond the assayed region for this gene and may encompass additional genes. While this deletion is not anticipated to result in nonsense mediated decay, it is expected to create a truncated protein product or disrupt mRNA translation. This variant has not been reported in the literature in individuals with MYH8-related disease. In summary, the available evidence is currently insufficient to determine the role of this variant in disease. Therefore, it has been classified as a Variant of Uncertain Significance.